The following is an entry in ClinVar:

NM_004380.3(CREBBP):c.3060+10G>T

Gene: CREBBP (CREB binding lysine acetyltransferase; minus strand). Cytogenetic location: 16p13.3.
Variant type: single nucleotide variant.
Coding change: c.3060+10G>T on transcript NM_004380.3 (MANE Select); 10 bases into the intron after coding-DNA position 3060, G replaced by T.
Molecular consequence: intron variant.
Genome position (GRCh38, 1-based): chr16:3,769,164, C>A on the plus strand (G>T on the coding strand, the complement: CREBBP is on the minus strand). VCF-style: chr16-3769164-C-A. GRCh37 (hg19) VCF-style: chr16-3819165-C-A.
Other names: c.3060+10G>T (NM_004380.2); c.2946+10G>T (NM_001079846.1).
Identifiers: ClinVar variation 3580630 (VCV003580630.2).
Genomic context (GRCh38, chr16:3,769,164, plus strand): 5'-AGCCTCGCCCGAGGACACCTGGGTAAAGTTGCGATACGCAGTCAATGCATTCCTAGGGAG[C>A]GGCACCCACCTCAGACCTGGGCTCCCCTTTGGATTCACCAGGATCGGGCTCAGTGTCCTC-3'

ClinVar aggregate classification (germline): Conflicting classifications of pathogenicity. Review status: criteria provided, conflicting classifications (1 of 4 stars). 2 submissions from 2 submitters: Uncertain significance (1); Likely benign (1). Last evaluated 2025-06-13.

Conditions:
Menke-Hennekam syndrome 1 (MKHK1). Identifiers: MedGen C5193034, MONDO:0020763, OMIM 618332.
Rubinstein-Taybi syndrome due to CREBBP mutations (RSTS1). Also called: RUBINSTEIN-TAYBI SYNDROME 1, INCOMPLETE; BROAD THUMB-HALLUX SYNDROME; RUBINSTEIN SYNDROME; BROAD THUMBS AND GREAT TOES, CHARACTERISTIC FACIES, AND IMPAIRED INTELLECTUAL DEVELOPMENT; Rubinstein-Taybi syndrome 1; CREBBP-Related Rubinstein-Taybi Syndrome. Identifiers: Orphanet 353277, Orphanet 783, MedGen C4551859, MONDO:0008393, OMIM 180849.
CREBBP-related disorder. Also called: CREBBP-related disorders; CREBBP-related condition.

gnomAD v4.1: 32 of 1,613,792 alleles (0.002%); highest among the groups gnomAD compares: Non-Finnish European, 0.0026%; no homozygotes.

Submissions (2):

PreventionGenetics, part of Exact Sciences
Classification: Likely benign for CREBBP-related condition. Last evaluated: 2025-06-13. Review status: criteria provided, single submitter. Criteria: ACMG Guidelines, 2015. Collection method: clinical testing. Allele origin: germline.
Comment: This variant is classified as likely benign based on ACMG/AMP sequence variant interpretation guidelines (Richards et al. 2015 PMID: 25741868, with internal and published modifications).

Fulgent Genetics
Classification: Uncertain significance for Rubinstein-Taybi syndrome due to CREBBP mutations; Menke-Hennekam syndrome 1. Last evaluated: 2024-04-25. Review status: criteria provided, single submitter. Criteria: ACMG Guidelines, 2015. Collection method: clinical testing. Allele origin: germline.